The following is an entry in ClinVar:

NM_001042492.3(NF1):c.7175G>A (p.Gly2392Glu)

Gene: NF1 (neurofibromin 1; plus strand). Cytogenetic location: 17q11.2.
Variant type: single nucleotide variant.
Coding change: c.7175G>A on transcript NM_001042492.3 (MANE Select); coding-DNA position 7175, G replaced by A.
Protein change: p.Gly2392Glu; replaces glycine 2392 with glutamic acid.
Molecular consequence: missense variant.
Genome position (GRCh38, 1-based): chr17:31,343,121, G>A. VCF-style: chr17-31343121-G-A. GRCh37 (hg19) VCF-style: chr17-29670139-G-A.
Other names: c.7112G>A, p.Gly2371Glu (NM_000267.4); short protein forms G2371E, G2392E.
Identifiers: ClinVar variation 1320348 (VCV001320348.2), dbSNP rs2151565294, ClinGen allele CA399015758.

ClinVar aggregate classification (germline): Uncertain significance (1 of 4 stars; one submission).

Submission:

GeneDx
Classification: Uncertain significance. Last evaluated: 2023-02-10. Review status: criteria provided, single submitter. Criteria: GeneDx Variant Classification Process June 2021. Collection method: clinical testing. Allele origin: germline. Affected: yes.
Comment: Not observed at significant frequency in large population cohorts (gnomAD); In silico analysis supports that this missense variant has a deleterious effect on protein structure/function; Has not been previously published as pathogenic or benign to our knowledge; This variant is associated with the following publications: (PMID: 25486365)